The following is an entry in ClinVar:

NM_144643.4(SCLT1):c.842A>T (p.Gln281Leu)

Gene: SCLT1 (sodium channel and clathrin linker 1; minus strand). Cytogenetic location: 4q28.2.
Variant type: single nucleotide variant.
Coding change: c.842A>T on transcript NM_144643.4 (MANE Select); coding-DNA position 842, A replaced by T.
Protein change: p.Gln281Leu; replaces glutamine 281 with leucine.
Molecular consequence: missense variant.
Genome position (GRCh38, 1-based): chr4:128,965,254, T>A on the plus strand (A>T on the coding strand, the complement: SCLT1 is on the minus strand). VCF-style: chr4-128965254-T-A. GRCh37 (hg19) VCF-style: chr4-129886409-T-A.
Other names: short protein forms Q281L.
Identifiers: ClinVar variation 1401298 (VCV001401298.5), dbSNP rs1740075487, ClinGen allele CA358189048.

ClinVar aggregate classification (germline): Uncertain significance (1 of 4 stars; one submission).

Allele frequency attached by ClinVar (database versions not stated): gnomAD 0.00001.
gnomAD v4.1: 1 of 1,602,174 alleles (0.000062%); highest among the groups gnomAD compares: African/African-American, 0.0013%; no homozygotes.

Submission:

Labcorp Genetics (formerly Invitae), Labcorp
Classification: Uncertain significance. Last evaluated: 2021-09-24. Review status: criteria provided, single submitter. Criteria: Invitae Variant Classification Sherloc (09022015). Collection method: clinical testing. Allele origin: germline.
Comment: This sequence change replaces glutamine with leucine at codon 281 of the SCLT1 protein (p.Gln281Leu). The glutamine residue is highly conserved and there is a moderate physicochemical difference between glutamine and leucine. This variant is not present in population databases (ExAC no frequency). This variant has not been reported in the literature in individuals with SCLT1-related conditions. Algorithms developed to predict the effect of missense changes on protein structure and function (SIFT, PolyPhen-2, Align-GVGD) all suggest that this variant is likely to be disruptive, but these predictions have not been confirmed by published functional studies and their clinical significance is uncertain. In summary, the available evidence is currently insufficient to determine the role of this variant in disease. Therefore, it has been classified as a Variant of Uncertain Significance.